The following is an entry in ClinVar:

NM_003242.6(TGFBR2):c.1219A>G (p.Thr407Ala)

Gene: TGFBR2 (transforming growth factor beta receptor 2; plus strand). Cytogenetic location: 3p24.1.
Variant type: single nucleotide variant.
Coding change: c.1219A>G on transcript NM_003242.6 (MANE Select); coding-DNA position 1219, A replaced by G.
Protein change: p.Thr407Ala; replaces threonine 407 with alanine.
Molecular consequence: missense variant.
Genome position (GRCh38, 1-based): chr3:30,672,402, A>G. VCF-style: chr3-30672402-A-G. GRCh37 (hg19) VCF-style: chr3-30713894-A-G.
Other names: c.1114A>G, p.Thr372Ala (NM_001407135.1, NM_001407136.1, NM_001407132.1 and 2 more transcripts); c.934A>G, p.Thr312Ala (NM_001407137.1); c.859A>G, p.Thr287Ala (NM_001407138.1); c.1294A>G, p.Thr432Ala (NM_001024847.3); c.1402A>G, p.Thr468Ala (NM_001407126.1); c.1327A>G, p.Thr443Ala (NM_001407127.1); c.1246A>G, p.Thr416Ala (NM_001407128.1); c.1222A>G, p.Thr408Ala (NM_001407129.1); and 1 more; short protein forms T407A, T432A, T372A, T443A, T312A, T408A, T287A, T416A.
Identifiers: ClinVar variation 576835 (VCV000576835.8), dbSNP rs1559467311, ClinGen allele CA351808784.

ClinVar aggregate classification (germline): Uncertain significance. Review status: criteria provided, multiple submitters, no conflicts (2 of 4 stars). 4 submissions from 4 submitters: Uncertain significance (4). Last evaluated 2025-09-28.

Conditions:
Familial thoracic aortic aneurysm and aortic dissection (TAAD). Also called: Thoracic aortic aneurysms and dissections. Identifiers: Orphanet 91387, MedGen C4707243, MONDO:0019625.
Loeys-Dietz syndrome 2 (LDS2). Also called: TGFBR2-Related Loeys-Dietz Syndrome; Marfan Syndrome type 2; Marfan like connective tissue disorder; MFS 2; AORTIC ANEURYSM, FAMILIAL THORACIC 3; MARFAN SYNDROME, TYPE II. Identifiers: Orphanet 284973, Orphanet 558, MedGen C2674574, MONDO:0012427, OMIM 610168.

Allele frequency attached by ClinVar (database versions not stated): gnomAD exomes below 0.00001.
gnomAD v4.1: 6 of 1,614,088 alleles (0.00037%); highest among the groups gnomAD compares: Non-Finnish European, 0.00051%; no homozygotes.

Submissions (4):

Ambry Genetics
Classification: Uncertain significance for Familial thoracic aortic aneurysm and aortic dissection. Last evaluated: 2025-09-28. Review status: criteria provided, single submitter. Criteria: Ambry Variant Classification Scheme 2023. Collection method: clinical testing. Allele origin: germline.
Comment: The c.1219A>G (p.T407A) alteration is located in exon 4 (coding exon 4) of the TGFBR2 gene. This alteration results from a A to G substitution at nucleotide position 1219, causing the threonine (T) at amino acid position 407 to be replaced by an alanine (A). Based on data from gnomAD, the G allele has an overall frequency of <0.001% (1/250736) total alleles studied. The highest observed frequency was 0.001% (1/113040) of European (non-Finnish) alleles. Based on insufficient or conflicting evidence, the clinical significance of this alteration remains unclear.

All of Us Research Program, National Institutes of Health
Classification: Uncertain significance for Loeys-Dietz syndrome 2. Last evaluated: 2024-05-14. Review status: criteria provided, single submitter. Criteria: ACMG Guidelines, 2015. Collection method: clinical testing. Allele origin: germline. Inheritance: Autosomal dominant inheritance. Observed: 2 variant alleles, 2 heterozygotes.
Comment: This missense variant replaces threonine with alanine at codon 407 of the TGFBR2 protein. Computational prediction suggests that this variant may not impact protein structure and function (internally defined REVEL score threshold <= 0.5, PMID: 27666373). To our knowledge, functional studies have not been reported for this variant. This variant has not been reported in individuals affected with cardiovascular disorders in the literature. This variant has been identified in 1/250736 chromosomes in the general population by the Genome Aggregation Database (gnomAD). The available evidence is insufficient to determine the role of this variant in disease conclusively. Therefore, this variant is classified as a Variant of Uncertain Significance.

This study involves interpretation of variants in research participants for the purpose of population health screening. Participant phenotype was not available at the time of variant classification. Additional details can be found in publication PMID: 35346344, PMCID: PMC8962531

Color Diagnostics, LLC DBA Color Health
Classification: Uncertain significance for Familial thoracic aortic aneurysm and aortic dissection. Last evaluated: 2024-03-06. Review status: criteria provided, single submitter. Criteria: ACMG Guidelines, 2015. Collection method: clinical testing. Allele origin: germline.
Comment: This missense variant replaces threonine with alanine at codon 407 of the TGFBR2 protein. Computational prediction suggests that this variant may not impact protein structure and function. To our knowledge, functional studies have not been reported for this variant. This variant has not been reported in individuals affected with cardiovascular disorders in the literature. This variant has been identified in 1/250736 chromosomes in the general population by the Genome Aggregation Database (gnomAD). The available evidence is insufficient to determine the role of this variant in disease conclusively. Therefore, this variant is classified as a Variant of Uncertain Significance.

Labcorp Genetics (formerly Invitae), Labcorp
Classification: Uncertain significance for Familial thoracic aortic aneurysm and aortic dissection. Last evaluated: 2024-02-02. Review status: criteria provided, single submitter. Criteria: Invitae Variant Classification Sherloc (09022015). Collection method: clinical testing. Allele origin: germline.
Comment: This sequence change replaces threonine, which is neutral and polar, with alanine, which is neutral and non-polar, at codon 407 of the TGFBR2 protein (p.Thr407Ala). This variant is not present in population databases (gnomAD no frequency). This variant has not been reported in the literature in individuals affected with TGFBR2-related conditions. ClinVar contains an entry for this variant (Variation ID: 576835). Advanced modeling of protein sequence and biophysical properties (such as structural, functional, and spatial information, amino acid conservation, physicochemical variation, residue mobility, and thermodynamic stability) performed at Invitae indicates that this missense variant is not expected to disrupt TGFBR2 protein function with a negative predictive value of 95%. In summary, the available evidence is currently insufficient to determine the role of this variant in disease. Therefore, it has been classified as a Variant of Uncertain Significance.